The following is an entry in ClinVar:

ClinVar aggregate classification (germline): Uncertain significance (1 of 4 stars; one submission).

Submission:

Labcorp Genetics (formerly Invitae), Labcorp
Classification: Uncertain significance. Last evaluated: 2022-11-22. Review status: criteria provided, single submitter. Criteria: Invitae Variant Classification Sherloc (09022015). Collection method: clinical testing. Allele origin: germline.
Comment: In summary, the available evidence is currently insufficient to determine the role of this variant in disease. Therefore, it has been classified as a Variant of Uncertain Significance. Experimental studies and prediction algorithms are not available or were not evaluated, and the functional significance of this variant is currently unknown. ClinVar contains an entry for this variant (Variation ID: 1519391). This variant has not been reported in the literature in individuals affected with TUBGCP6-related conditions. This variant is not present in population databases (gnomAD no frequency). This variant, c.3240_3563del, results in the deletion of 108 amino acid(s) of the TUBGCP6 protein (p.Asn1085_Ser1192del), but otherwise preserves the integrity of the reading frame.

NM_020461.4(TUBGCP6):c.3240_3563del (p.Asn1085_Ser1192del)

Gene: TUBGCP6 (tubulin gamma complex component 6; minus strand). Cytogenetic location: 22q13.33.
Variant type: Deletion.
Coding change: c.3240_3563del on transcript NM_020461.4 (MANE Select); coding-DNA positions 3240 to 3563, 324 bases deleted.
Protein change: p.Asn1085_Ser1192del.
Molecular consequence: inframe deletion.
Genome position (GRCh38, 1-based): chr22:50,220,796-50,221,119, 324 bases deleted. GRCh37 (hg19): chr22:50,659,243-50,659,566.
Identifiers: ClinVar variation 1519391 (VCV001519391.8), dbSNP rs2147178133, ClinGen allele CA2573158254.